The following is an entry in ClinVar:

ClinVar aggregate classification (germline): Conflicting classifications of pathogenicity. Review status: criteria provided, conflicting classifications (1 of 4 stars). 2 submissions from 2 submitters: Uncertain significance (1); Likely benign (1). Last evaluated 2025-07-13.

Conditions:
Hypertrophic cardiomyopathy. Also called: HYPERTROPHIC MYOCARDIOPATHY. Identifiers: Orphanet 217569, MedGen C0007194, MeSH D002312, MONDO:0005045, HP:0001639.
Cardiomyopathy (CMYO). Also called: Cardiomyopathies. Identifiers: Orphanet 167848, MedGen C0878544, MONDO:0004994, HP:0001638. Inheritance: Various modes of inheritance.

Allele frequency attached by ClinVar (database versions not stated): gnomAD exomes below 0.00001.

Submissions (2):

Labcorp Genetics (formerly Invitae), Labcorp
Classification: Uncertain significance for Hypertrophic cardiomyopathy. Last evaluated: 2025-07-13. Review status: criteria provided, single submitter. Criteria: Invitae Variant Classification Sherloc (09022015). Collection method: clinical testing. Allele origin: germline.
Comment: This sequence change affects codon 4 of the TNNI3 mRNA. It is a 'silent' change, meaning that it does not change the encoded amino acid sequence of the TNNI3 protein. It affects a nucleotide within the consensus splice site. This variant is not present in population databases (gnomAD no frequency). This variant has not been reported in the literature in individuals affected with TNNI3-related conditions. ClinVar contains an entry for this variant (Variation ID: 2774625). Algorithms developed to predict the effect of sequence changes on RNA splicing suggest that this variant is not likely to affect RNA splicing. In summary, the available evidence is currently insufficient to determine the role of this variant in disease. Therefore, it has been classified as a Variant of Uncertain Significance.

Color Diagnostics, LLC DBA Color Health
Classification: Likely benign for Cardiomyopathy. Last evaluated: 2019-11-21. Review status: criteria provided, single submitter. Criteria: ACMG Guidelines, 2015. Collection method: clinical testing. Allele origin: germline.

NM_000363.5(TNNI3):c.12G>A (p.Gly4=)

Gene: TNNI3 (troponin I3, cardiac type; minus strand). Cytogenetic location: 19q13.42.
Variant type: single nucleotide variant.
Coding change: c.12G>A on transcript NM_000363.5 (MANE Select); coding-DNA position 12, G replaced by A.
Protein change: p.Gly4=; no amino-acid change (glycine 4 retained).
Molecular consequence: synonymous variant.
Genome position (GRCh38, 1-based): chr19:55,157,308, C>T on the plus strand (G>A on the coding strand, the complement: TNNI3 is on the minus strand). VCF-style: chr19-55157308-C-T. GRCh37 (hg19) VCF-style: chr19-55668676-C-T.
Identifiers: ClinVar variation 2774625 (VCV002774625.4), dbSNP rs746102505, ClinGen allele CA508989681.
Genomic context (GRCh38, chr19:55,157,308, plus strand): 5'-CACCCTGGCCCTGGGGGTCCCAGCCACGCCTTAGCCCGCTGCTCTCACCGCATCGCTGCT[C>T]CTGGAAGGAGAGAAACCAAGGAGGGGGGTTAGTGGTGGGCTGTGTCCTGTCTCCTAAGGG-3'
Protein context (NP_000354.4, residues 1-14): MAD[Gly4=]SSDAAREPRP